The following is an entry in ClinVar:

ClinVar aggregate classification (germline): Uncertain significance (1 of 4 stars; one submission).

Conditions:
RYR1-related disorder. Also called: RYR1-related condition; RYR1-related disorders. Identifiers: MedGen CN239331.

Submission:

Labcorp Genetics (formerly Invitae), Labcorp
Classification: Uncertain significance for RYR1-related disorder. Last evaluated: 2024-11-25. Review status: criteria provided, single submitter. Criteria: Invitae Variant Classification Sherloc (09022015). Collection method: clinical testing. Allele origin: germline.
Comment: This sequence change falls in intron 66 of the RYR1 gene. It does not directly change the encoded amino acid sequence of the RYR1 protein. Information on the frequency of this variant in the gnomAD database is not available, as this variant may be reported differently in the database. This variant has not been reported in the literature in individuals affected with RYR1-related conditions. Experimental studies and prediction algorithms are not available or were not evaluated, and the functional significance of this variant is currently unknown. In summary, the available evidence is currently insufficient to determine the role of this variant in disease. Therefore, it has been classified as a Variant of Uncertain Significance.

NM_000540.3(RYR1):c.10018+20_10018+21delinsTT

Gene: RYR1 (ryanodine receptor 1; plus strand). Cytogenetic location: 19q13.2.
Variant type: Indel.
Coding change: c.10018+20_10018+21delinsTT on transcript NM_000540.3 (MANE Select); bases 20 to 21 of the intron after coding-DNA position 10018, GC replaced by TT.
Molecular consequence: intron variant.
Genome position (GRCh38, 1-based): chr19:38,517,711-38,517,712, GC replaced by TT. VCF-style: chr19-38517711-GC-TT. GRCh37 (hg19) VCF-style: chr19-39008351-GC-TT.
Other names: c.10018+20_10018+21delinsTT (NM_001042723.2).
Identifiers: ClinVar variation 3708810 (VCV003708810.2).